The following is an entry in ClinVar:

ClinVar aggregate classification (germline): Pathogenic (1 of 4 stars; one submission).

Conditions:
Congenital myotonia, autosomal dominant form (THD). Also called: THOMSEN DISEASE; Myotonia congenita autosomal dominant. Identifiers: Orphanet 614, MedGen C2936781, MONDO:0008055, OMIM 160800.
Congenital myotonia, autosomal recessive form. Also called: BECKER DISEASE; Becker Generalized Myotonia; myotonia congenita, autosomal recessive. Identifiers: Orphanet 614, MedGen C0751360, MONDO:0009715, OMIM 255700.

Submission:

Labcorp Genetics (formerly Invitae), Labcorp
Classification: Pathogenic for Congenital myotonia, autosomal recessive form; Congenital myotonia, autosomal dominant form. Last evaluated: 2024-01-09. Review status: criteria provided, single submitter. Criteria: Invitae Variant Classification Sherloc (09022015). Collection method: clinical testing. Allele origin: germline.
Comment: This sequence change creates a premature translational stop signal (p.Ser886Glnfs*26) in the CLCN1 gene. While this is not anticipated to result in nonsense mediated decay, it is expected to disrupt the last 103 amino acid(s) of the CLCN1 protein. This variant is not present in population databases (gnomAD no frequency). This variant has not been reported in the literature in individuals affected with CLCN1-related conditions. This variant disrupts a region of the CLCN1 protein in which other variant(s) (p.Gly945Argfs*39) have been determined to be pathogenic (PMID: 18337100; Invitae). This suggests that this is a clinically significant region of the protein, and that variants that disrupt it are likely to be disease-causing. For these reasons, this variant has been classified as Pathogenic.

Literature cited by the submitters: PubMed 18337100.

NM_000083.3(CLCN1):c.2655dup (p.Ser886fs)

Gene: CLCN1 (chloride voltage-gated channel 1; plus strand). Cytogenetic location: 7q34.
Variant type: Duplication.
Coding change: c.2655dup on transcript NM_000083.3 (MANE Select); coding-DNA position 2655, one base duplicated (C; older notation c.2655dupC).
Protein change: p.Ser886fs; shifts the reading frame from serine 886.
Molecular consequence: frameshift variant. On other transcripts: non-coding transcript variant (1).
Genome position (GRCh38, 1-based): chr7:143,351,653, C duplicated; the last of 2 consecutive C bases (chr7:143,351,652-143,351,653); duplicating either gives the same sequence. VCF-style (leftmost placement, unchanged base first): chr7-143351651-G-GC. GRCh37 (hg19) VCF-style: chr7-143048744-G-GC.
Other names: short protein forms S886fs.
Identifiers: ClinVar variation 2922068 (VCV002922068.3), dbSNP rs2485448281, ClinGen allele CA2740094942.